The following is an entry in ClinVar:

NM_001036.6(RYR3):c.4991G>C (p.Gly1664Ala)

Gene: RYR3 (ryanodine receptor 3; plus strand). Cytogenetic location: 15q14.
Variant type: single nucleotide variant.
Coding change: c.4991G>C on transcript NM_001036.6 (MANE Select); coding-DNA position 4991, G replaced by C.
Protein change: p.Gly1664Ala; replaces glycine 1664 with alanine.
Molecular consequence: missense variant.
Genome position (GRCh38, 1-based): chr15:33,662,521, G>C. VCF-style: chr15-33662521-G-C. GRCh37 (hg19) VCF-style: chr15-33954722-G-C.
Other names: c.4991G>C, p.Gly1664Ala (NM_001243996.4); short protein forms G1664A.
Identifiers: ClinVar variation 224984 (VCV000224984.8), dbSNP rs762176717, ClinGen allele CA358043.

ClinVar aggregate classification (germline): Uncertain significance. Review status: criteria provided, multiple submitters, no conflicts (2 of 4 stars). 3 submissions from 3 submitters: Uncertain significance (3). Last evaluated 2021-09-08.

Conditions:
Inborn genetic diseases. Identifiers: MedGen C0950123, MeSH D030342.
Epileptic encephalopathy. Identifiers: MedGen C0543888, HP:0200134.

Allele frequency attached by ClinVar (database versions not stated): ExAC 0.00004; gnomAD exomes 0.00005 and 0.00006; TOPMed 0.00005; gnomAD 0.00006 and 0.00007.
gnomAD v4.1: 94 of 1,614,020 alleles (0.0058%); highest among the groups gnomAD compares: Middle Eastern, 0.96%; 1 homozygote.

Submissions (3):

Labcorp Genetics (formerly Invitae), Labcorp
Classification: Uncertain significance for Epileptic encephalopathy. Last evaluated: 2021-09-08. Review status: criteria provided, single submitter. Criteria: Invitae Variant Classification Sherloc (09022015). Collection method: clinical testing. Allele origin: germline.
Comment: This sequence change replaces glycine with alanine at codon 1664 of the RYR3 protein (p.Gly1664Ala). The glycine residue is moderately conserved and there is a small physicochemical difference between glycine and alanine. This variant is present in population databases (rs762176717, ExAC 0.007%). This variant has not been reported in the literature in individuals affected with RYR3-related conditions. ClinVar contains an entry for this variant (Variation ID: 224984). Algorithms developed to predict the effect of missense changes on protein structure and function (SIFT, PolyPhen-2, Align-GVGD) all suggest that this variant is likely to be tolerated. In summary, the available evidence is currently insufficient to determine the role of this variant in disease. Therefore, it has been classified as a Variant of Uncertain Significance.

Ambry Genetics
Classification: Uncertain significance for Inborn genetic diseases. Last evaluated: 2014-10-17. Review status: criteria provided, single submitter. Criteria: Ambry General Variant Classification Scheme_2022. Collection method: clinical testing. Allele origin: germline. Observed: 1 variant allele.
Comment: The c.4991G>C (p.G1664A) alteration is located in exon 35 (coding exon 35) of the RYR3 gene. This alteration results from a G to C substitution at nucleotide position 4991, causing the glycine (G) at amino acid position 1664 to be replaced by an alanine (A). The alteration is not observed in healthy cohorts: Based on data from the NHLBI Exome Sequencing Project (ESP), the RYR3 c.4991G>C alteration was not observed among 6,093 individuals tested. Allele frequency data for this nucleotide position are not currently available from the 1000 Genomes Project and the alteration is not currently listed in the Database of Single Nucleotide Polymorphisms (dbSNP). Though some variants may appear to be rare due to database-specific ethnic underrepresentation, rare missense alleles commonly exhibit a deleterious effect on protein function (Kryukov, 2007; Tennessen, 2012). IF USED, PULL THESE INTO REFERENCES: Kryukov GV, et al. (2007) Am J Hum Genet 80:727-739. Tennessen JA, et al. (2012) Science 337(64):64-69. The altered amino acid is not conserved throughout evolution: The p.G1664 amino acid position is poorly conserved in available vertebrate species. The alteration is predicted benign by in silico models: The p.G1664A alteration is predicted to be benign by Polyphen and tolerated by SIFT in silico analyses. Based on insufficient or conflicting evidence, the clinical significance of this alteration remains unclear.

Breakthrough Genomics
Classification: Uncertain significance. Review status: criteria provided, single submitter. Criteria: ACMG Guidelines, 2015. Collection method: not provided. Allele origin: germline. Inheritance: Unknown mechanism. Affected: yes.